The following is an entry in ClinVar:

ClinVar aggregate classification (germline): Likely benign (1 of 4 stars; one submission).

Conditions:
TRPM6-related disorder. Also called: TRPM6-related condition.

gnomAD v4.1: 7 of 1,613,776 alleles (0.00043%); highest among the groups gnomAD compares: African/African-American, 0.008%; no homozygotes.

Submission:

PreventionGenetics, part of Exact Sciences
Classification: Likely benign for TRPM6-related condition. Last evaluated: 2025-06-09. Review status: criteria provided, single submitter. Criteria: ACMG Guidelines, 2015. Collection method: clinical testing. Allele origin: germline.
Comment: This variant is classified as likely benign based on ACMG/AMP sequence variant interpretation guidelines (Richards et al. 2015 PMID: 25741868, with internal and published modifications).

NM_017662.5(TRPM6):c.1284C>T (p.Ile428=)

Gene: TRPM6 (transient receptor potential cation channel subfamily M member 6; minus strand). Cytogenetic location: 9q21.13.
Variant type: single nucleotide variant.
Coding change: c.1284C>T on transcript NM_017662.5 (MANE Select); coding-DNA position 1284, C replaced by T.
Protein change: p.Ile428=; no amino-acid change (isoleucine 428 retained).
Molecular consequence: synonymous variant.
Genome position (GRCh38, 1-based): chr9:74,816,693, G>A on the plus strand (C>T on the coding strand, the complement: TRPM6 is on the minus strand). VCF-style: chr9-74816693-G-A. GRCh37 (hg19) VCF-style: chr9-77431609-G-A.
Other names: c.1269C>T, p.Ile423= (NM_001177310.2, NM_001177311.2).
Identifiers: ClinVar variation 4977410 (VCV004977410.1).